The following is an entry in ClinVar:

ClinVar aggregate classification (germline): Benign/Likely benign. Review status: criteria provided, multiple submitters, no conflicts (2 of 4 stars). 10 submissions from 10 submitters: Benign (1); Likely benign (8). 1 of the submissions does not count toward it. Last evaluated 2026-01-22.

Conditions:
Marfan syndrome (MFS). Also called: FBN1-Related Marfan Syndrome; Marfan syndrome, classic; MARFAN SYNDROME, TYPE I; Marfan syndrome type 1; Marfan's syndrome. Identifiers: Orphanet 284963, Orphanet 558, MedGen C0024796, MONDO:0007947, OMIM 154700.
Familial thoracic aortic aneurysm and aortic dissection (TAAD). Also called: Thoracic aortic aneurysms and dissections. Identifiers: Orphanet 91387, MedGen C4707243, MONDO:0019625.
FBN1-related disorder. Also called: FBN1-related disorders.

Allele frequency attached by ClinVar (database versions not stated): gnomAD exomes 0.00013 and 0.00018; TOPMed 0.00011; ExAC 0.00016; gnomAD 0.00006 and 0.00009.
gnomAD v4.1: 285 of 1,613,692 alleles (0.018%); highest among the groups gnomAD compares: South Asian, 0.04%; no homozygotes.

Submissions (10):

Labcorp Genetics (formerly Invitae), Labcorp
Classification: Likely benign for Marfan syndrome; Familial thoracic aortic aneurysm and aortic dissection. Last evaluated: 2026-01-22. Review status: criteria provided, single submitter. Criteria: Invitae Variant Classification Sherloc (09022015). Collection method: clinical testing. Allele origin: germline.

Blueprint Genetics
Classification: Likely benign. Last evaluated: 2024-10-29. Review status: criteria provided, single submitter. Criteria: ACMG Guidelines, 2015. Collection method: clinical testing. Allele origin: germline.

All of Us Research Program, National Institutes of Health
Classification: Likely benign for Marfan syndrome. Last evaluated: 2024-02-05. Review status: criteria provided, single submitter. Criteria: ACMG Guidelines, 2015. Collection method: clinical testing. Allele origin: germline. Inheritance: Autosomal dominant inheritance. Observed: 38 variant alleles, 38 heterozygotes.
Comment: This study involves interpretation of variants in research participants for the purpose of population health screening. Participant phenotype was not available at the time of variant classification. Additional details can be found in publication PMID: 35346344, PMCID: PMC8962531

Women's Health and Genetics/Laboratory Corporation of America, LabCorp
Classification: Benign. Last evaluated: 2023-01-14. Review status: criteria provided, single submitter. Criteria: LabCorp Variant Classification Summary - May 2015. Collection method: clinical testing. Allele origin: germline.

GeneDx
Classification: Likely benign. Last evaluated: 2021-02-03. Review status: criteria provided, single submitter. Criteria: GeneDx Variant Classification Process June 2021. Collection method: clinical testing. Allele origin: germline. Affected: yes.

Color Diagnostics, LLC DBA Color Health
Classification: Likely benign for Familial thoracic aortic aneurysm and aortic dissection. Last evaluated: 2018-07-15. Review status: criteria provided, single submitter. Criteria: ACMG Guidelines, 2015. Collection method: clinical testing. Allele origin: germline.

Ambry Genetics
Classification: Likely benign for Familial thoracic aortic aneurysm and aortic dissection. Last evaluated: 2017-10-20. Review status: criteria provided, single submitter. Criteria: Ambry Variant Classification Scheme 2023. Collection method: clinical testing. Allele origin: germline.

CHEO Genetics Diagnostic Laboratory, Children's Hospital of Eastern Ontario
Classification: Likely benign for Familial thoracic aortic aneurysm and aortic dissection. Last evaluated: 2016-08-05. Review status: criteria provided, single submitter. Criteria: ACMG Guidelines, 2015. Collection method: clinical testing. Allele origin: germline. Study: Canadian Open Genetics Repository.

Laboratory for Molecular Medicine, Mass General Brigham Personalized Medicine
Classification: Likely benign. Last evaluated: 2011-12-30. Review status: criteria provided, single submitter. Criteria: LMM Criteria. Collection method: clinical testing. Allele origin: germline. Observed: 1 variant allele.
Comment: Pro2278Pro variant in exon 55 of FBN1: This variant is not expected to have clin ical significance because it does not alter an amino acid residue, is not locate d within the splice consensus sequence, and it has been identified in 0.014% (1/ 7020) of European American chromosomes by the NHBLI Exome sequencing project in a clinical cohort that included individuals with heart disease (rs148250409).

PreventionGenetics, part of Exact Sciences
Classification: Likely benign for FBN1-related condition. Last evaluated: 2024-01-29. Review status: no assertion criteria provided. Collection method: clinical testing. Allele origin: germline. Not counted in ClinVar's aggregate classification.
Comment: This variant is classified as likely benign based on ACMG/AMP sequence variant interpretation guidelines (Richards et al. 2015 PMID: 25741868, with internal and published modifications).

NM_000138.5(FBN1):c.6834C>T (p.Pro2278=)

Gene: FBN1 (fibrillin 1; minus strand). Cytogenetic location: 15q21.1.
Variant type: single nucleotide variant.
Coding change: c.6834C>T on transcript NM_000138.5 (MANE Select); coding-DNA position 6834, C replaced by T.
Protein change: p.Pro2278=; no amino-acid change (proline 2278 retained).
Molecular consequence: synonymous variant.
Genome position (GRCh38, 1-based): chr15:48,430,708, G>A on the plus strand (C>T on the coding strand, the complement: FBN1 is on the minus strand). VCF-style: chr15-48430708-G-A. GRCh37 (hg19) VCF-style: chr15-48722905-G-A.
Identifiers: ClinVar variation 42410 (VCV000042410.66), dbSNP rs397515839, ClinGen allele CA016761.